The following is an entry in ClinVar:

NM_007046.4(EMILIN1):c.1868G>A (p.Arg623His)

Gene: EMILIN1 (elastin microfibril interfacer 1; plus strand). Cytogenetic location: 2p23.3.
Variant type: single nucleotide variant.
Coding change: c.1868G>A on transcript NM_007046.4 (MANE Select); coding-DNA position 1868, G replaced by A.
Protein change: p.Arg623His; replaces arginine 623 with histidine.
Molecular consequence: missense variant.
Genome position (GRCh38, 1-based): chr2:27,083,439, G>A. VCF-style: chr2-27083439-G-A. GRCh37 (hg19) VCF-style: chr2-27306307-G-A.
Other names: short protein forms R623H.
Identifiers: ClinVar variation 4847966 (VCV004847966.1).

ClinVar aggregate classification (germline): Uncertain significance (1 of 4 stars; one submission).

gnomAD v4.1: 68 of 1,612,538 alleles (0.0042%); highest among the groups gnomAD compares: African/African-American, 0.0067%; no homozygotes.

Submission:

Women's Health and Genetics/Laboratory Corporation of America, LabCorp
Classification: Uncertain significance. Last evaluated: 2026-02-09. Review status: criteria provided, single submitter. Criteria: LabCorp Variant Classification Summary - May 2015. Collection method: clinical testing. Allele origin: germline.
Comment: Variant summary: EMILIN1 c.1868G>A (p.Arg623His) results in a non-conservative amino acid change in the encoded protein sequence. Algorithms developed to predict the effect of missense changes on protein structure and function are either unavailable or do not agree on the potential impact of this missense change. The variant allele was found at a frequency of 1.6e-05 in 247402 control chromosomes. The available data on variant occurrences in the general population are insufficient to allow any conclusion about variant significance. To our knowledge, no occurrence of c.1868G>A in individuals affected with EMILIN1-related conditions and no experimental evidence demonstrating its impact on protein function have been reported. No submitters have cited clinical-significance assessments for this variant to ClinVar. Based on the evidence outlined above, the variant was classified as uncertain significance.